The following is an entry in ClinVar:

ClinVar aggregate classification (germline): Uncertain significance. Review status: criteria provided, multiple submitters, no conflicts (2 of 4 stars). 2 submissions from 2 submitters: Uncertain significance (2). Last evaluated 2023-12-05.

Allele frequency attached by ClinVar (database versions not stated): gnomAD exomes below 0.00001; gnomAD 0.00001.
gnomAD v4.1: 6 of 1,613,000 alleles (0.00037%); highest among the groups gnomAD compares: Middle Eastern, 0.033%; no homozygotes.

Submissions (2):

Blueprint Genetics
Classification: Uncertain significance. Last evaluated: 2023-12-05. Review status: criteria provided, single submitter. Criteria: ACMG Guidelines, 2015. Collection method: clinical testing. Allele origin: germline.

Labcorp Genetics (formerly Invitae), Labcorp
Classification: Uncertain significance. Last evaluated: 2021-07-31. Review status: criteria provided, single submitter. Criteria: Invitae Variant Classification Sherloc (09022015). Collection method: clinical testing. Allele origin: germline.
Comment: This sequence change replaces leucine with valine at codon 425 of the PDE6B protein (p.Leu425Val). The leucine residue is highly conserved and there is a small physicochemical difference between leucine and valine. This variant is not present in population databases (ExAC no frequency). This variant has not been reported in the literature in individuals affected with PDE6B-related conditions. Algorithms developed to predict the effect of missense changes on protein structure and function are either unavailable or do not agree on the potential impact of this missense change (SIFT: "Deleterious"; PolyPhen-2: "Probably Damaging"; Align-GVGD: "Class C0"). In summary, the available evidence is currently insufficient to determine the role of this variant in disease. Therefore, it has been classified as a Variant of Uncertain Significance.

NM_000283.4(PDE6B):c.1273C>G (p.Leu425Val)

Gene: PDE6B (phosphodiesterase 6B; plus strand). Cytogenetic location: 4p16.3.
Variant type: single nucleotide variant.
Coding change: c.1273C>G on transcript NM_000283.4 (MANE Select); coding-DNA position 1273, C replaced by G.
Protein change: p.Leu425Val; replaces leucine 425 with valine.
Molecular consequence: missense variant.
Genome position (GRCh38, 1-based): chr4:657,366, C>G. VCF-style: chr4-657366-C-G. GRCh37 (hg19) VCF-style: chr4-651155-C-G.
Other names: c.1273C>G, p.Leu425Val (NM_001145291.2); c.436C>G, p.Leu146Val (NM_001145292.2, NM_001350154.3, NM_001379246.1 and 1 more transcripts); c.118C>G, p.Leu40Val (NM_001350155.3); short protein forms L146V, L40V, L425V.
Identifiers: ClinVar variation 1474158 (VCV001474158.7), dbSNP rs1736405182, ClinGen allele CA355913751.
Genomic context (GRCh38, chr4:657,366, plus strand): 5'-CGCGCCGGGAGCGCTGAGCGCCAGTGACACTGCCATCCCCTCCAGTCCCTGACACAGTTC[C>G]TGGGCTGGTCAGTGATGAACACCGACACCTACGACAAGATGAACAAGCTGGAGAACCGCA-3'
Protein context (NP_000274.3, residues 415-435): EVLMESLTQF[Leu425Val]GWSVMNTDTY